The following is an entry in ClinVar:

ClinVar aggregate classification (germline): Uncertain significance. Review status: criteria provided, multiple submitters, no conflicts (2 of 4 stars). 3 submissions from 3 submitters: Uncertain significance (3). Last evaluated 2025-06-11.

Conditions:
Tumor predisposition syndrome 3 (TPDS3). Also called: Melanoma, cutaneous malignant, susceptibility to, 10; Glioma susceptibility 9; LONG TELOMERE SYNDROME, POT1-RELATED; POT1 Tumor Predisposition. Identifiers: Orphanet 618, MedGen C4014476, MONDO:0014368, OMIM 615848.
Hereditary cancer-predisposing syndrome. Also called: Tumor predisposition; Hereditary Cancer Syndrome; Hereditary neoplastic syndrome; Neoplastic Syndromes, Hereditary. Identifiers: Orphanet 140162, MedGen C0027672, MeSH D009386, MONDO:0015356.

Submissions (3):

Labcorp Genetics (formerly Invitae), Labcorp
Classification: Uncertain significance for Tumor predisposition syndrome 3. Last evaluated: 2025-06-11. Review status: criteria provided, single submitter. Criteria: Invitae Variant Classification Sherloc (09022015). Collection method: clinical testing. Allele origin: germline.
Comment: This sequence change replaces tryptophan, which is neutral and slightly polar, with arginine, which is basic and polar, at codon 184 of the POT1 protein (p.Trp184Arg). This variant is not present in population databases (gnomAD no frequency). This variant has not been reported in the literature in individuals affected with POT1-related conditions. ClinVar contains an entry for this variant (Variation ID: 1305784). Invitae Evidence Modeling of protein sequence and biophysical properties (such as structural, functional, and spatial information, amino acid conservation, physicochemical variation, residue mobility, and thermodynamic stability) indicates that this missense variant is not expected to disrupt POT1 protein function with a negative predictive value of 80%. In summary, the available evidence is currently insufficient to determine the role of this variant in disease. Therefore, it has been classified as a Variant of Uncertain Significance.

Ambry Genetics
Classification: Uncertain significance for Hereditary cancer-predisposing syndrome. Last evaluated: 2022-10-07. Review status: criteria provided, single submitter. Criteria: Ambry Variant Classification Scheme 2023. Collection method: clinical testing. Allele origin: germline.
Comment: The p.W184R variant (also known as c.550T>C), located in coding exon 5 of the POT1 gene, results from a T to C substitution at nucleotide position 550. The tryptophan at codon 184 is replaced by arginine, an amino acid with dissimilar properties. This amino acid position is conserved. In addition, this alteration is predicted to be deleterious by in silico analysis. Since supporting evidence is limited at this time, the clinical significance of this alteration remains unclear.

GeneDx
Classification: Uncertain significance. Last evaluated: 2019-05-09. Review status: criteria provided, single submitter. Criteria: GeneDx Variant Classification Process June 2021. Collection method: clinical testing. Allele origin: germline. Affected: yes.
Comment: Not observed in large population cohorts (Lek et al., 2016); In silico analysis, which includes protein predictors and evolutionary conservation, supports a deleterious effect; Has not been previously published as pathogenic or benign to our knowledge

NM_015450.3(POT1):c.550T>C (p.Trp184Arg)

Gene: POT1 (protection of telomeres 1; minus strand). Cytogenetic location: 7q31.33.
Variant type: single nucleotide variant.
Coding change: c.550T>C on transcript NM_015450.3 (MANE Select); coding-DNA position 550, T replaced by C.
Protein change: p.Trp184Arg; replaces tryptophan 184 with arginine.
Molecular consequence: missense variant. On other transcripts: non-coding transcript variant (3).
Genome position (GRCh38, 1-based): chr7:124,859,109, A>G on the plus strand (T>C on the coding strand, the complement: POT1 is on the minus strand). VCF-style: chr7-124859109-A-G. GRCh37 (hg19) VCF-style: chr7-124499163-A-G.
Other names: c.157T>C, p.Trp53Arg (NM_001042594.2); short protein forms W184R, W53R.
Identifiers: ClinVar variation 1305784 (VCV001305784.7), dbSNP rs2116526752, ClinGen allele CA369056840.